The following is an entry in ClinVar:

NM_001136472.2(LITAF):c.450C>A (p.Asn150Lys)

Gene: LITAF (lipopolysaccharide induced TNF factor; minus strand). Cytogenetic location: 16p13.13.
Variant type: single nucleotide variant.
Coding change: c.450C>A on transcript NM_001136472.2 (MANE Select); coding-DNA position 450, C replaced by A.
Protein change: p.Asn150Lys; replaces asparagine 150 with lysine.
Molecular consequence: missense variant. On other transcripts: 3 prime UTR variant (1), non-coding transcript variant (1).
Genome position (GRCh38, 1-based): chr16:11,549,673, G>T on the plus strand (C>A on the coding strand, the complement: LITAF is on the minus strand). VCF-style: chr16-11549673-G-T. GRCh37 (hg19) VCF-style: chr16-11643529-G-T.
Other names: c.*89C>A (NM_001136473.1); c.450C>A, p.Asn150Lys (NM_004862.4); short protein forms N150K.
Identifiers: ClinVar variation 2005204 (VCV002005204.4), dbSNP rs897775080, ClinGen allele CA394763369.
Genomic context (GRCh38, chr16:11,549,673, plus strand): 5'-GCTCCCTCCACGTCTGGCTGAGTCCTACAAACGCTTGTAGGTGCCCAGGAGAGCTCTGCA[G>T]TTGGGACAGTAATGGTCCACGTCCTGCAGGGCATCCACGCAGAAGGGGATGAAGCAGCAG-3'
Protein context (NP_001129944.1, residues 140-160): ALQDVDHYCP[Asn150Lys]CRALLGTYKR

ClinVar aggregate classification (germline): Uncertain significance (1 of 4 stars; one submission).

Conditions:
Charcot-Marie-Tooth disease type 1C. Also called: CMT, SLOW NERVE CONDUCTION TYPE C; HMSN IC; CHARCOT-MARIE-TOOTH NEUROPATHY, TYPE 1C; NEUROPATHY, HEREDITARY MOTOR AND SENSORY, TYPE IC; CHARCOT-MARIE-TOOTH DISEASE, DEMYELINATING, TYPE 1C; Charcot-Marie-Tooth disease, type IC. Identifiers: Orphanet 101083, MedGen C0270913, MONDO:0010995, OMIM 601098.

gnomAD v4.1: 1 of 1,613,754 alleles (0.000062%); highest among the groups gnomAD compares: Non-Finnish European, 0.000085%; no homozygotes.

Submission:

Labcorp Genetics (formerly Invitae), Labcorp
Classification: Uncertain significance for Charcot-Marie-Tooth disease type 1C. Last evaluated: 2022-06-12. Review status: criteria provided, single submitter. Criteria: Invitae Variant Classification Sherloc (09022015). Collection method: clinical testing. Allele origin: germline.
Comment: This variant is not present in population databases (gnomAD no frequency). This sequence change replaces asparagine, which is neutral and polar, with lysine, which is basic and polar, at codon 150 of the LITAF protein (p.Asn150Lys). This variant has not been reported in the literature in individuals affected with LITAF-related conditions. In summary, the available evidence is currently insufficient to determine the role of this variant in disease. Therefore, it has been classified as a Variant of Uncertain Significance. Algorithms developed to predict the effect of missense changes on protein structure and function (SIFT, PolyPhen-2, Align-GVGD) all suggest that this variant is likely to be tolerated.